The following is an entry in ClinVar:

ClinVar aggregate classification (germline): Uncertain significance. Review status: criteria provided, multiple submitters, no conflicts (2 of 4 stars). 2 submissions from 2 submitters: Uncertain significance (2). Last evaluated 2023-11-01.

Conditions:
Tuberous sclerosis 1 (TSC1). Identifiers: Orphanet 805, MedGen C1854465, MONDO:0008612, OMIM 191100.
Hereditary cancer-predisposing syndrome. Also called: Hereditary neoplastic syndrome; Neoplastic Syndromes, Hereditary; Tumor predisposition; Hereditary Cancer Syndrome. Identifiers: Orphanet 140162, MedGen C0027672, MeSH D009386, MONDO:0015356.

Allele frequency attached by ClinVar (database versions not stated): gnomAD exomes below 0.00001; gnomAD 0.00001.
gnomAD v4.1: 3 of 1,613,996 alleles (0.00019%); highest among the groups gnomAD compares: Non-Finnish European, 0.00025%; no homozygotes.

Submissions (2):

Ambry Genetics
Classification: Uncertain significance for Hereditary cancer-predisposing syndrome. Last evaluated: 2023-11-01. Review status: criteria provided, single submitter. Criteria: Ambry Variant Classification Scheme 2023. Collection method: clinical testing. Allele origin: germline.
Comment: The p.F377C variant (also known as c.1130T>G), located in coding exon 9 of the TSC1 gene, results from a T to G substitution at nucleotide position 1130. The phenylalanine at codon 377 is replaced by cysteine, an amino acid with highly dissimilar properties. This amino acid position is conserved. In addition, the in silico prediction for this alteration is inconclusive. Since supporting evidence is limited at this time, the clinical significance of this alteration remains unclear.

Labcorp Genetics (formerly Invitae), Labcorp
Classification: Uncertain significance for Tuberous sclerosis 1. Last evaluated: 2022-02-21. Review status: criteria provided, single submitter. Criteria: Invitae Variant Classification Sherloc (09022015). Collection method: clinical testing. Allele origin: germline.
Comment: In summary, the available evidence is currently insufficient to determine the role of this variant in disease. Therefore, it has been classified as a Variant of Uncertain Significance. Algorithms developed to predict the effect of missense changes on protein structure and function (SIFT, PolyPhen-2, Align-GVGD) all suggest that this variant is likely to be tolerated. ClinVar contains an entry for this variant (Variation ID: 466007). This variant has not been reported in the literature in individuals affected with TSC1-related conditions. This variant is present in population databases (no rsID available, gnomAD 0.002%). This sequence change replaces phenylalanine, which is neutral and non-polar, with cysteine, which is neutral and slightly polar, at codon 377 of the TSC1 protein (p.Phe377Cys).

NM_000368.5(TSC1):c.1130T>G (p.Phe377Cys)

Gene: TSC1 (TSC complex subunit 1; minus strand). Cytogenetic location: 9q34.13.
Variant type: single nucleotide variant.
Coding change: c.1130T>G on transcript NM_000368.5 (MANE Select); coding-DNA position 1130, T replaced by G.
Protein change: p.Phe377Cys; replaces phenylalanine 377 with cysteine.
Molecular consequence: missense variant.
Genome position (GRCh38, 1-based): chr9:132,911,013, A>C on the plus strand (T>G on the coding strand, the complement: TSC1 is on the minus strand). VCF-style: chr9-132911013-A-C. GRCh37 (hg19) VCF-style: chr9-135786400-A-C.
Other names: c.1130T>G, p.Phe377Cys (NM_001162426.2); c.977T>G, p.Phe326Cys (NM_001162427.2); c.767T>G, p.Phe256Cys (NM_001362177.2); short protein forms F377C, F256C, F326C.
Identifiers: ClinVar variation 466007 (VCV000466007.8), dbSNP rs1187617751, ClinGen allele CA375367327.